The following is an entry in ClinVar:

ClinVar aggregate classification (germline): Pathogenic (1 of 4 stars; one submission).

Submission:

Labcorp Genetics (formerly Invitae), Labcorp
Classification: Pathogenic. Last evaluated: 2021-03-23. Review status: criteria provided, single submitter. Criteria: Invitae Variant Classification Sherloc (09022015). Collection method: clinical testing. Allele origin: germline.
Comment: For these reasons, this variant has been classified as Pathogenic. This variant has not been reported in the literature in individuals with SLC12A3-related conditions. This variant is not present in population databases (ExAC no frequency). This sequence change creates a premature translational stop signal (p.Glu715*) in the SLC12A3 gene. It is expected to result in an absent or disrupted protein product. Loss-of-function variants in SLC12A3 are known to be pathogenic (PMID: 20848653, 22009145, 25841442).

Literature cited by the submitters: PubMed 20848653; PubMed 22009145; PubMed 25841442.

NM_001126108.2(SLC12A3):c.2143G>T (p.Glu715Ter)

Gene: SLC12A3 (solute carrier family 12 member 3; plus strand). Cytogenetic location: 16q13.
Variant type: single nucleotide variant.
Coding change: c.2143G>T on transcript NM_001126108.2 (MANE Select); coding-DNA position 2143, G replaced by T.
Protein change: p.Glu715Ter; replaces glutamic acid 715 with a stop codon.
Molecular consequence: nonsense.
Genome position (GRCh38, 1-based): chr16:56,887,058, G>T. VCF-style: chr16-56887058-G-T. GRCh37 (hg19) VCF-style: chr16-56920970-G-T.
Other names: c.2143G>T, p.Glu715Ter (NM_000339.3); c.2140G>T, p.Glu714Ter (NM_001126107.2); short protein forms E715*, E714*.
Identifiers: ClinVar variation 1393514 (VCV001393514.6), dbSNP rs766585725, ClinGen allele CA395993930.